The following is an entry in ClinVar:

ClinVar aggregate classification (germline): Pathogenic (1 of 4 stars; one submission).

Submission:

Labcorp Genetics (formerly Invitae), Labcorp
Classification: Pathogenic. Last evaluated: 2023-10-22. Review status: criteria provided, single submitter. Criteria: Invitae Variant Classification Sherloc (09022015). Collection method: clinical testing. Allele origin: germline.
Comment: This variant is a gross deletion of the genomic region encompassing exon(s) 10-11 of the PEPD gene. This variant would be expected to be in-frame, preserving the integrity of the reading frame. This variant has not been reported in the literature in individuals affected with PEPD-related conditions. This variant disrupts a region of the PEPD protein in which other variant(s) (p.Tyr231del) have been determined to be pathogenic (PMID: 15309682, 23516557). This suggests that this is a clinically significant region of the protein, and that variants that disrupt it are likely to be disease-causing. For these reasons, this variant has been classified as Pathogenic.

Literature cited by the submitters: PubMed 15309682; PubMed 23516557.

NC_000019.9:g.(?_33902558)_(33904569_?)del

Gene: PEPD (peptidase D; minus strand). Cytogenetic location: 19q13.11.
Variant type: Deletion.
Identifiers: ClinVar variation 1454838 (VCV001454838.5).